The following is an entry in ClinVar:

ClinVar aggregate classification (germline): Likely benign (1 of 4 stars; one submission).

Allele frequency attached by ClinVar (database versions not stated): gnomAD 0.00406 and 0.00450; TOPMed 0.00453.
gnomAD v4.1: 904 of 769,508 alleles (0.12%); highest among the groups gnomAD compares: African/African-American, 1.4%; 8 homozygotes.

Submission:

GeneDx
Classification: Likely benign. Last evaluated: 2018-06-16. Review status: criteria provided, single submitter. Criteria: GeneDx Variant Classification (06012015). Collection method: clinical testing. Allele origin: germline. Affected: yes.
Comment: This variant is considered likely benign or benign based on one or more of the following criteria: it is a conservative change, it occurs at a poorly conserved position in the protein, it is predicted to be benign by multiple in silico algorithms, and/or has population frequency not consistent with disease.

NM_130837.3(OPA1):c.2441-134G>C

Gene: OPA1 (OPA1 mitochondrial dynamin like GTPase; plus strand). Cytogenetic location: 3q29.
Variant type: single nucleotide variant.
Coding change: c.2441-134G>C on transcript NM_130837.3 (MANE Select); 134 bases into the intron before coding-DNA position 2441, G replaced by C.
Molecular consequence: intron variant.
Genome position (GRCh38, 1-based): chr3:193,659,348, G>C. VCF-style: chr3-193659348-G-C. GRCh37 (hg19) VCF-style: chr3-193377137-G-C.
Other names: c.1904-134G>C (NM_001354664.2); c.1907-134G>C (NM_001354663.2); c.2330-134G>C (NM_130834.3); c.2387-134G>C (NM_130836.3); c.2276-134G>C (NM_015560.3); c.2333-134G>C (NM_130835.3); c.2222-134G>C (NM_130832.3); c.2279-134G>C (NM_130833.3); and 1 more.
Identifiers: ClinVar variation 677034 (VCV000677034.1), dbSNP rs375372517, ClinGen allele CA90551089.